The following is an entry in ClinVar:

ClinVar aggregate classification (germline): Uncertain significance (1 of 4 stars; one submission).

Submissions (3):

Center for Pediatric Genomic Medicine, Children's Mercy Hospital and Clinics
Classification: Uncertain significance. Last evaluated: 2016-02-02. Review status: criteria provided, single submitter. Criteria: ACMG Guidelines, 2015. Collection method: clinical testing. Allele origin: germline.
ClinVar note: Converted during submission from Uncertain Significance to Uncertain significance.

Dr. Peter K. Rogan Lab, Western University
No classification provided (evidence only). Condition: Thyroid cancer, nonmedullary, 1. Review status: no classification provided. Collection method: in vitro. Allele origin: not applicable. Functional consequence: retained intron. Not counted in ClinVar's aggregate classification.

Dr. Peter K. Rogan Lab, Western University
No classification provided (evidence only). Condition: Thyroid cancer, nonmedullary, 1. Review status: no classification provided. Collection method: in vitro. Allele origin: not applicable. Functional consequence: retained intron. Not counted in ClinVar's aggregate classification.

NM_005334.3(HCFC1):c.5374G>T (p.Gly1792Cys)

Gene: HCFC1 (host cell factor C1; minus strand). Cytogenetic location: Xq28.
Variant type: single nucleotide variant.
Coding change: c.5374G>T on transcript NM_005334.3 (MANE Select); coding-DNA position 5374, G replaced by T.
Protein change: p.Gly1792Cys; replaces glycine 1792 with cysteine.
Molecular consequence: missense variant.
Genome position (GRCh38, 1-based): chrX:153,951,594, C>A on the plus strand (G>T on the coding strand, the complement: HCFC1 is on the minus strand). VCF-style: chrX-153951594-C-A. GRCh37 (hg19) VCF-style: chrX-153217045-C-A.
Other names: NC_000023.10:g.153217045C>A; short protein forms G1792C.
Identifiers: ClinVar variation 235485 (VCV000235485.4), dbSNP rs878853049, ClinGen allele CA10581326.